The following is an entry in ClinVar:

ClinVar aggregate classification (germline): Uncertain significance. Review status: criteria provided, multiple submitters, no conflicts (2 of 4 stars). 2 submissions from 2 submitters: Uncertain significance (2). Last evaluated 2025-06-26.

Conditions:
Autosomal recessive ataxia, Beauce type. Also called: SYNE1-Related Autosomal Recessive Cerebellar Ataxia; Spinocerebellar ataxia, autosomal recessive 8; ATAXIA, RECESSIVE, OF BEAUCE; SYNE1 Deficiency. Identifiers: Orphanet 88644, MedGen C1853116, MONDO:0012549, OMIM 610743.
Emery-Dreifuss muscular dystrophy 4, autosomal dominant (EDMD4). Also called: EMERY-DREIFUSS MUSCULAR DYSTROPHY 4 WITH VARIABLE FEATURES. Identifiers: Orphanet 261, MedGen C2751807, MONDO:0013071, OMIM 612998.

Allele frequency attached by ClinVar (database versions not stated): gnomAD exomes below 0.00001; gnomAD 0.00001.
gnomAD v4.1: 5 of 1,614,078 alleles (0.00031%); highest among the groups gnomAD compares: Admixed American, 0.0017%; no homozygotes.

Submissions (2):

Labcorp Genetics (formerly Invitae), Labcorp
Classification: Uncertain significance for Emery-Dreifuss muscular dystrophy 4, autosomal dominant; Autosomal recessive ataxia, Beauce type. Last evaluated: 2025-06-26. Review status: criteria provided, single submitter. Criteria: Invitae Variant Classification Sherloc (09022015). Collection method: clinical testing. Allele origin: germline.
Comment: This sequence change replaces glutamic acid, which is acidic and polar, with lysine, which is basic and polar, at codon 5981 of the SYNE1 protein (p.Glu5981Lys). This variant is present in population databases (no rsID available, gnomAD 0.003%). This variant has not been reported in the literature in individuals affected with SYNE1-related conditions. ClinVar contains an entry for this variant (Variation ID: 1489561). An algorithm developed to predict the effect of missense changes on protein structure and function (PolyPhen-2) suggests that this variant is likely to be disruptive. In summary, the available evidence is currently insufficient to determine the role of this variant in disease. Therefore, it has been classified as a Variant of Uncertain Significance.

Revvity Omics, Revvity
Classification: Uncertain significance. Last evaluated: 2020-10-02. Review status: criteria provided, single submitter. Criteria: ACMG Guidelines, 2015. Collection method: clinical testing. Allele origin: germline.

NM_182961.4(SYNE1):c.18154G>A (p.Glu6052Lys)

Gene: SYNE1 (spectrin repeat containing nuclear envelope protein 1; minus strand). Cytogenetic location: 6q25.2.
Variant type: single nucleotide variant.
Coding change: c.18154G>A on transcript NM_182961.4 (MANE Select); coding-DNA position 18154, G replaced by A.
Protein change: p.Glu6052Lys; replaces glutamic acid 6052 with lysine.
Molecular consequence: missense variant.
Genome position (GRCh38, 1-based): chr6:152,284,031, C>T on the plus strand (G>A on the coding strand, the complement: SYNE1 is on the minus strand). VCF-style: chr6-152284031-C-T. GRCh37 (hg19) VCF-style: chr6-152605166-C-T.
Other names: c.17941G>A (NM_033071.3); c.17941G>A, p.Glu5981Lys (NM_033071.5); short protein forms E6052K, E5981K.
Identifiers: ClinVar variation 1489561 (VCV001489561.9), dbSNP rs1279573379, ClinGen allele CA366097201.